The following is an entry in ClinVar:

NM_000821.7(GGCX):c.*4726A>C

Genes: GGCX (gamma-glutamyl carboxylase; minus strand), MAT2A (methionine adenosyltransferase 2A; plus strand). Cytogenetic location: 2p11.2.
Variant type: single nucleotide variant.
Coding change: c.*4726A>C on transcript NM_000821.7 (MANE Select); 4726 bases downstream of the stop codon, A replaced by C.
Molecular consequence: 3 prime UTR variant.
Genome position (GRCh38, 1-based): chr2:85,545,208, T>G on the plus strand (A>C on the coding strand, the complement: GGCX is on the minus strand). VCF-style: chr2-85545208-T-G. GRCh37 (hg19) VCF-style: chr2-85772331-T-G.
Other names: c.*4726A>C (NM_001142269.4); c.*1436T>G (NM_005911.6).
Identifiers: ClinVar variation 337175 (VCV000337175.5), dbSNP rs377381751, ClinGen allele CA10616116.
Genomic context (GRCh38, chr2:85,545,208, plus strand): 5'-CTTATTCCATGACTGCTTGCCCTAAGCAGAAAGTGCCTTTCAGGATCTATTTTTGGAGGT[T>G]TATTACGTATGTCTGGTTCTCAATTCCAACAGTTTAATGAAGATCTAAATAAAATGCTAG-3'

ClinVar aggregate classification (germline): Likely benign (1 of 4 stars; one submission).

Conditions:
Vitamin K-dependent clotting factors, combined deficiency of, type 1. Also called: FACTORS II, VII, IX, AND X, COMBINED DEFICIENCY OF; FAMILIAL MULTIPLE COAGULATION FACTOR DEFICIENCY III; FMFD III; GLUTAMIC ACID, DEFICIENT GAMMA-CARBOXYLATION OF; MULTIPLE COAGULATION FACTOR DEFICIENCY III; VITAMIN K-DEPENDENT COAGULATION DEFECT. Identifiers: Orphanet 98434, MedGen C1848534, MONDO:0010187, OMIM 277450.

Allele frequency attached by ClinVar (database versions not stated): TOPMed 0.00138; gnomAD 0.00160 and 0.00194; 1000 Genomes Project 30x 0.00281; 1000 Genomes Project 0.00300.

Submission:

Illumina Laboratory Services, Illumina
Classification: Likely benign for Vitamin K-dependent clotting factors, combined deficiency of, type 1. Last evaluated: 2018-01-13. Review status: criteria provided, single submitter. Criteria: ICSL Variant Classification Criteria 13 December 2019. Collection method: clinical testing. Allele origin: germline.
Comment: This variant was observed in the ICSL laboratory as part of a predisposition screen in an ostensibly healthy population. It had not been previously curated by ICSL or reported in the Human Gene Mutation Database (HGMD: prior to June 1st, 2018), and was therefore a candidate for classification through an automated scoring system. Utilizing variant allele frequency, disease prevalence and penetrance estimates, and inheritance mode, an automated score was calculated to assess if this variant is too frequent to cause the disease. Based on the score and internal cut-off values, a variant classified as likely benign is not then subjected to further curation. The score for this variant resulted in a classification of likely benign for this disease.